The following is an entry in ClinVar:

NM_015047.3(EMC1):c.1633-3C>T

Genes: EMC1 (ER membrane protein complex subunit 1; minus strand), EMC1-AS1 (EMC1 antisense RNA 1; plus strand). Cytogenetic location: 1p36.13.
Variant type: single nucleotide variant.
Coding change: c.1633-3C>T on transcript NM_015047.3 (MANE Select); 3 bases into the intron before coding-DNA position 1633, C replaced by T.
Molecular consequence: intron variant.
Genome position (GRCh38, 1-based): chr1:19,232,776, G>A on the plus strand (C>T on the coding strand, the complement: EMC1 is on the minus strand). VCF-style: chr1-19232776-G-A. GRCh37 (hg19) VCF-style: chr1-19559270-G-A.
Other names: c.1567-3C>T (NM_001271429.2); c.1630-3C>T (NM_001271427.2, NM_001271428.2); c.1639-3C>T (NM_001375821.1); c.1642-3C>T (NM_001375820.1).
Identifiers: ClinVar variation 1483106 (VCV001483106.6), dbSNP rs745746030, ClinGen allele CA652529.

ClinVar aggregate classification (germline): Uncertain significance (1 of 4 stars; one submission).

Allele frequency attached by ClinVar (database versions not stated): gnomAD exomes 0.00001 and below 0.00001; gnomAD 0.00002; ExAC 0.00002; TOPMed 0.00002.
gnomAD v4.1: 7 of 1,613,928 alleles (0.00043%); highest among the groups gnomAD compares: African/African-American, 0.0053%; no homozygotes.

Submission:

Labcorp Genetics (formerly Invitae), Labcorp
Classification: Uncertain significance. Last evaluated: 2025-09-22. Review status: criteria provided, single submitter. Criteria: Invitae Variant Classification Sherloc (09022015). Collection method: clinical testing. Allele origin: germline.
Comment: This sequence change falls in intron 14 of the EMC1 gene. It does not directly change the encoded amino acid sequence of the EMC1 protein. It affects a nucleotide within the consensus splice site. This variant is present in population databases (rs745746030, gnomAD 0.01%). This variant has not been reported in the literature in individuals affected with EMC1-related conditions. ClinVar contains an entry for this variant (Variation ID: 1483106). Variants that disrupt the consensus splice site are a relatively common cause of aberrant splicing (PMID: 17576681, 9536098). Algorithms developed to predict the effect of sequence changes on RNA splicing suggest that this variant is not likely to affect RNA splicing. In summary, the available evidence is currently insufficient to determine the role of this variant in disease. Therefore, it has been classified as a Variant of Uncertain Significance.

Literature cited by the submitters: PubMed 17576681; PubMed 9536098.